The following is an entry in ClinVar:

ClinVar aggregate classification (germline): Uncertain significance. Review status: criteria provided, multiple submitters, no conflicts (2 of 4 stars). 2 submissions from 2 submitters: Uncertain significance (2). Last evaluated 2025-02-04.

Conditions:
Glycogen storage disease, type V (GSD5). Also called: MCARDLE DISEASE; MUSCLE GLYCOGEN PHOSPHORYLASE DEFICIENCY; MYOPHOSPHORYLASE DEFICIENCY; McArdle type glycogen storage disease; PYGM DEFICIENCY. Identifiers: Orphanet 368, MedGen C0017924, MONDO:0009293, OMIM 232600.

Allele frequency attached by ClinVar (database versions not stated): gnomAD exomes below 0.00001 and 0.00001; ExAC 0.00001.
gnomAD v4.1: 3 of 1,614,088 alleles (0.00019%); highest among the groups gnomAD compares: Middle Eastern, 0.016%; no homozygotes.

Submissions (2):

GeneDx
Classification: Uncertain significance. Last evaluated: 2025-02-04. Review status: criteria provided, single submitter. Criteria: GeneDx Variant Classification Process June 2021. Collection method: clinical testing. Allele origin: germline. Affected: yes.
Comment: Not observed at significant frequency in large population cohorts (gnomAD); In silico analysis supports that this missense variant has a deleterious effect on protein structure/function; Has not been previously published as pathogenic or benign to our knowledge

Genome-Nilou Lab
Classification: Uncertain significance for Glycogen storage disease, type V. Last evaluated: 2021-07-22. Review status: criteria provided, single submitter. Criteria: ACMG Guidelines, 2015. Collection method: clinical testing. Allele origin: germline. Affected: no.

NM_005609.4(PYGM):c.1702G>A (p.Val568Met)

Gene: PYGM (glycogen phosphorylase, muscle associated; minus strand). Cytogenetic location: 11q13.1.
Variant type: single nucleotide variant.
Coding change: c.1702G>A on transcript NM_005609.4 (MANE Select); coding-DNA position 1702, G replaced by A.
Protein change: p.Val568Met; replaces valine 568 with methionine.
Molecular consequence: missense variant.
Genome position (GRCh38, 1-based): chr11:64,751,990, C>T on the plus strand (G>A on the coding strand, the complement: PYGM is on the minus strand). VCF-style: chr11-64751990-C-T. GRCh37 (hg19) VCF-style: chr11-64519462-C-T.
Other names: c.1438G>A, p.Val480Met (NM_001164716.1); c.1702G>A (NM_005609.2); short protein forms V480M, V568M.
Identifiers: ClinVar variation 1209781 (VCV001209781.4), dbSNP rs757791045, ClinGen allele CA6079776.